The following is an entry in ClinVar:

NM_004247.4(EFTUD2):c.2609C>A (p.Thr870Asn)

Gene: EFTUD2 (elongation factor Tu GTP binding domain containing 2; minus strand). Cytogenetic location: 17q21.31.
Variant type: single nucleotide variant.
Coding change: c.2609C>A on transcript NM_004247.4 (MANE Select); coding-DNA position 2609, C replaced by A.
Protein change: p.Thr870Asn; replaces threonine 870 with asparagine.
Molecular consequence: missense variant.
Genome position (GRCh38, 1-based): chr17:44,852,515, G>T on the plus strand (C>A on the coding strand, the complement: EFTUD2 is on the minus strand). VCF-style: chr17-44852515-G-T. GRCh37 (hg19) VCF-style: chr17-42929883-G-T.
Other names: c.2504C>A, p.Thr835Asn (NM_001142605.2); c.2609C>A, p.Thr870Asn (NM_001258353.2); c.2579C>A, p.Thr860Asn (NM_001258354.2); short protein forms T860N, T870N, T835N.
Identifiers: ClinVar variation 2801059 (VCV002801059.3), dbSNP rs765924901, ClinGen allele CA8607437.
Genomic context (GRCh38, chr17:44,852,515, plus strand): 5'-TGAGTCCGGAGATCAGTCTCAAAGCCAAAAGAGTCGATGGCCGGGATAAAAGCTTTGATG[G>T]TGTACAGAGGGGAGCCTGGGATGGGTGCATCCTGAGTCACGTGCCCCCTGAGACAGAAAA-3'
Protein context (NP_004238.3, residues 860-880): DAPIPGSPLY[Thr870Asn]IKAFIPAIDS

ClinVar aggregate classification (germline): Uncertain significance (1 of 4 stars; one submission).

Allele frequency attached by ClinVar (database versions not stated): TOPMed below 0.00001; ExAC 0.00001; gnomAD 0.00001.
gnomAD v4.1: 3 of 1,614,028 alleles (0.00019%); highest among the groups gnomAD compares: Admixed American, 0.005%; no homozygotes.

Submission:

Labcorp Genetics (formerly Invitae), Labcorp
Classification: Uncertain significance. Last evaluated: 2024-01-11. Review status: criteria provided, single submitter. Criteria: Invitae Variant Classification Sherloc (09022015). Collection method: clinical testing. Allele origin: germline.
Comment: This sequence change replaces threonine, which is neutral and polar, with asparagine, which is neutral and polar, at codon 870 of the EFTUD2 protein (p.Thr870Asn). This variant is present in population databases (rs765924901, gnomAD 0.009%). This variant has not been reported in the literature in individuals affected with EFTUD2-related conditions. Advanced modeling of protein sequence and biophysical properties (such as structural, functional, and spatial information, amino acid conservation, physicochemical variation, residue mobility, and thermodynamic stability) performed at Invitae indicates that this missense variant is not expected to disrupt EFTUD2 protein function with a negative predictive value of 80%. In summary, the available evidence is currently insufficient to determine the role of this variant in disease. Therefore, it has been classified as a Variant of Uncertain Significance.